The following is an entry in ClinVar:

ClinVar aggregate classification (germline): Uncertain significance (1 of 4 stars; one submission).

Conditions:
Cardiovascular phenotype. Identifiers: MedGen CN230736.

gnomAD v4.1: 25 of 1,579,764 alleles (0.0016%); highest among the groups gnomAD compares: Non-Finnish European, 0.002%; no homozygotes.

Submission:

Ambry Genetics
Classification: Uncertain significance for Cardiovascular phenotype. Last evaluated: 2024-06-14. Review status: criteria provided, single submitter. Criteria: Ambry Variant Classification Scheme 2023. Collection method: clinical testing. Allele origin: germline.
Comment: The p.C3Y variant (also known as c.8G>A), located in coding exon 1 of the ABCA1 gene, results from a G to A substitution at nucleotide position 8. The cysteine at codon 3 is replaced by tyrosine, an amino acid with highly dissimilar properties. This amino acid position is conserved. In addition, this alteration is predicted to be tolerated by in silico analysis. Based on the available evidence, the clinical significance of this variant remains unclear.

NM_005502.4(ABCA1):c.8G>A (p.Cys3Tyr)

Gene: ABCA1 (ATP binding cassette subfamily A member 1; minus strand). Cytogenetic location: 9q31.1.
Variant type: single nucleotide variant.
Coding change: c.8G>A on transcript NM_005502.4 (MANE Select); coding-DNA position 8, G replaced by A.
Protein change: p.Cys3Tyr; replaces cysteine 3 with tyrosine.
Molecular consequence: missense variant.
Genome position (GRCh38, 1-based): chr9:104,903,672, C>T on the plus strand (G>A on the coding strand, the complement: ABCA1 is on the minus strand). VCF-style: chr9-104903672-C-T. GRCh37 (hg19) VCF-style: chr9-107665953-C-T.
Other names: short protein forms C3Y.
Identifiers: ClinVar variation 3267829 (VCV003267829.1).